The following is an entry in ClinVar:

ClinVar aggregate classification (germline): Uncertain significance. Review status: criteria provided, multiple submitters, no conflicts (2 of 4 stars). 2 submissions from 2 submitters: Uncertain significance (2). Last evaluated 2024-02-25.

Conditions:
Familial temporal lobe epilepsy 7. Identifiers: Orphanet 101046, MedGen C4225327, MONDO:0014639, OMIM 616436.
Norman-Roberts syndrome (LIS2). Also called: Lissencephaly 2 (Norman-Roberts type). Identifiers: Orphanet 89844, MedGen C0796089, MONDO:0009760, OMIM 257320.

Allele frequency attached by ClinVar (database versions not stated): gnomAD 0.00001; TOPMed 0.00001; gnomAD exomes 0.00004.
gnomAD v4.1: 57 of 1,613,998 alleles (0.0035%); highest among the groups gnomAD compares: Non-Finnish European, 0.0045%; no homozygotes.

Submissions (2):

Labcorp Genetics (formerly Invitae), Labcorp
Classification: Uncertain significance for Familial temporal lobe epilepsy 7; Norman-Roberts syndrome. Last evaluated: 2024-02-25. Review status: criteria provided, single submitter. Criteria: Invitae Variant Classification Sherloc (09022015). Collection method: clinical testing. Allele origin: germline.
Comment: This sequence change replaces cysteine, which is neutral and slightly polar, with tyrosine, which is neutral and polar, at codon 1701 of the RELN protein (p.Cys1701Tyr). This variant is not present in population databases (gnomAD no frequency). This variant has not been reported in the literature in individuals affected with RELN-related conditions. ClinVar contains an entry for this variant (Variation ID: 1009352). Advanced modeling of protein sequence and biophysical properties (such as structural, functional, and spatial information, amino acid conservation, physicochemical variation, residue mobility, and thermodynamic stability) has been performed at Invitae for this missense variant, however the output from this modeling did not meet the statistical confidence thresholds required to predict the impact of this variant on RELN protein function. In summary, the available evidence is currently insufficient to determine the role of this variant in disease. Therefore, it has been classified as a Variant of Uncertain Significance.

Blueprint Genetics
Classification: Uncertain significance. Last evaluated: 2023-01-31. Review status: criteria provided, single submitter. Criteria: ACMG Guidelines, 2015. Collection method: clinical testing. Allele origin: germline.

NM_005045.4(RELN):c.5102G>A (p.Cys1701Tyr)

Gene: RELN (reelin; minus strand). Cytogenetic location: 7q22.1.
Variant type: single nucleotide variant.
Coding change: c.5102G>A on transcript NM_005045.4 (MANE Select); coding-DNA position 5102, G replaced by A.
Protein change: p.Cys1701Tyr; replaces cysteine 1701 with tyrosine.
Molecular consequence: missense variant.
Genome position (GRCh38, 1-based): chr7:103,565,386, C>T on the plus strand (G>A on the coding strand, the complement: RELN is on the minus strand). VCF-style: chr7-103565386-C-T. GRCh37 (hg19) VCF-style: chr7-103205833-C-T.
Other names: c.5102G>A, p.Cys1701Tyr (NM_173054.3); short protein forms C1701Y.
Identifiers: ClinVar variation 1009352 (VCV001009352.9), dbSNP rs746597375, ClinGen allele CA163913396.
Genomic context (GRCh38, chr7:103,565,386, plus strand): 5'-CTTTCCGAGGTGTAAATTGAACTTTCCGTGTAATGCAGACAGCCAATGGTTGGAGGAACA[C>T]ACTCTTCGGTGACAAGATGCCAGTCCTTGCCATTGTTCAGAGAATACTGGAGCTGTACAC-3'
Protein context (NP_005036.2, residues 1691-1711): GKDWHLVTEE[Cys1701Tyr]VPPTIGCLHY